The following is an entry in ClinVar:

NM_025099.6(CTC1):c.3410C>G (p.Pro1137Arg)

Gene: CTC1 (CST telomere replication complex component 1; minus strand). Cytogenetic location: 17p13.1.
Variant type: single nucleotide variant.
Coding change: c.3410C>G on transcript NM_025099.6 (MANE Select); coding-DNA position 3410, C replaced by G.
Protein change: p.Pro1137Arg; replaces proline 1137 with arginine.
Molecular consequence: missense variant. On other transcripts: non-coding transcript variant (1).
Genome position (GRCh38, 1-based): chr17:8,228,607, G>C on the plus strand (C>G on the coding strand, the complement: CTC1 is on the minus strand). VCF-style: chr17-8228607-G-C. GRCh37 (hg19) VCF-style: chr17-8131925-G-C.
Other names: c.3179C>G, p.Pro1060Arg (NM_001411067.1); short protein forms P1060R, P1137R.
Identifiers: ClinVar variation 2841995 (VCV002841995.3), dbSNP rs776568961, ClinGen allele CA8371777.

ClinVar aggregate classification (germline): Uncertain significance. Review status: criteria provided, multiple submitters, no conflicts (2 of 4 stars). 2 submissions from 2 submitters: Uncertain significance (2). Last evaluated 2024-05-23.

Conditions:
Dyskeratosis congenita. Identifiers: Orphanet 1775, MedGen C0265965, MONDO:0015780.
Cerebroretinal microangiopathy with calcifications and cysts 1 (CRMCC1). Identifiers: Orphanet 313838, MedGen C4552029, MONDO:0024564, OMIM 612199.

Allele frequency attached by ClinVar (database versions not stated): gnomAD exomes below 0.00001; TOPMed below 0.00001; ExAC 0.00001.
gnomAD v4.1: 2 of 1,614,192 alleles (0.00012%); highest among the groups gnomAD compares: Admixed American, 0.0017%; no homozygotes.

Submissions (2):

Fulgent Genetics
Classification: Uncertain significance for Cerebroretinal microangiopathy with calcifications and cysts 1. Last evaluated: 2024-05-23. Review status: criteria provided, single submitter. Criteria: ACMG Guidelines, 2015. Collection method: clinical testing. Allele origin: germline.

Labcorp Genetics (formerly Invitae), Labcorp
Classification: Uncertain significance for Dyskeratosis congenita. Last evaluated: 2023-07-08. Review status: criteria provided, single submitter. Criteria: Invitae Variant Classification Sherloc (09022015). Collection method: clinical testing. Allele origin: germline.
Comment: In summary, the available evidence is currently insufficient to determine the role of this variant in disease. Therefore, it has been classified as a Variant of Uncertain Significance. An algorithm developed to predict the effect of missense changes on protein structure and function (PolyPhen-2) suggests that this variant is likely to be disruptive. This variant has not been reported in the literature in individuals affected with CTC1-related conditions. This variant is present in population databases (rs776568961, gnomAD 0.003%). This sequence change replaces proline, which is neutral and non-polar, with arginine, which is basic and polar, at codon 1137 of the CTC1 protein (p.Pro1137Arg).